The following is an entry in ClinVar:

NM_032383.5(HPS3):c.2600_2604del (p.Cys867fs)

Genes: CP (ceruloplasmin; minus strand), HPS3 (HPS3 biogenesis of lysosomal organelles complex 2 subunit 1; plus strand). Cytogenetic location: 3q24.
Variant type: Deletion.
Coding change: c.2600_2604del on transcript NM_032383.5 (MANE Select); coding-DNA positions 2600 to 2604, 5 bases deleted (GTGGT; older notation c.2600_2604delGTGGT).
Protein change: p.Cys867fs; shifts the reading frame from cysteine 867.
Molecular consequence: frameshift variant.
Genome position (GRCh38, 1-based): chr3:149,167,044-149,167,048, GTGGT deleted; deleting any 5 consecutive bases within chr3:149,167,043-149,167,048 gives the same sequence; the c. name uses the placement nearest the transcript's 3' end. VCF-style (leftmost placement, unchanged base first): chr3-149167042-ATGTGG-A. GRCh37 (hg19) VCF-style: chr3-148884829-ATGTGG-A.
Other names: c.2105_2109del, p.Cys702fs (NM_001308258.2); short protein forms C702fs, C867fs.
Identifiers: ClinVar variation 5010355 (VCV005010355.1).

ClinVar aggregate classification (germline): Pathogenic (1 of 4 stars; one submission).

Conditions:
Hermansky-Pudlak syndrome 3 (HPS3). Identifiers: Orphanet 231512, Orphanet 79430, MedGen C3888001, MONDO:0013555, OMIM 614072.

Submission:

Myriad Genetics, Inc.
Classification: Pathogenic for Hermansky-Pudlak syndrome 3. Last evaluated: 2024-05-14. Review status: criteria provided, single submitter. Criteria: Myriad Autosomal Dominant, Autosomal Recessive and X-Linked Classification Criteria (2023). Collection method: clinical testing. Allele origin: unknown.
Comment: NM_032383.3(HPS3):c.2600_2604del5(C867Sfs*4) is expected to be pathogenic in the context of Hermansky-Pudlak syndrome, HPS3-related. This variant is predicted to lead to an abnormal or absent protein product due to the creation of a premature termination codon in HPS3, a gene where loss-of-function variants are known to be pathogenic. Please note: this variant was assessed in the context of healthy population screening.